The following is an entry in ClinVar:

ClinVar aggregate classification (germline): Benign (0 of 4 stars; one submission).

Conditions:
MYT1-related disorder. Also called: MYT1-related condition.

Allele frequency attached by ClinVar (database versions not stated): gnomAD exomes 0.11496; ExAC 0.12760; 1000 Genomes Project 0.16434; gnomAD 0.16649; 1000 Genomes Project 30x 0.17255; TOPMed 0.17472; ESP Exome Variant Server 0.17730.
gnomAD v4.1: 194,368 of 1,613,216 alleles (12%); highest among the groups gnomAD compares: African/African-American, 32%; 14,264 homozygotes.

Submission:

PreventionGenetics, part of Exact Sciences
Classification: Benign for MYT1-related condition. Last evaluated: 2019-10-18. Review status: no assertion criteria provided. Collection method: clinical testing. Allele origin: germline.
Comment: This variant is classified as benign based on ACMG/AMP sequence variant interpretation guidelines (Richards et al. 2015 PMID: 25741868, with internal and published modifications).

NM_004535.3(MYT1):c.3213C>T (p.Leu1071=)

Gene: MYT1 (myelin transcription factor 1; plus strand). Cytogenetic location: 20q13.33.
Variant type: single nucleotide variant.
Coding change: c.3213C>T on transcript NM_004535.3 (MANE Select); coding-DNA position 3213, C replaced by T.
Protein change: p.Leu1071=; no amino-acid change (leucine 1071 retained).
Molecular consequence: synonymous variant.
Genome position (GRCh38, 1-based): chr20:64,239,879, C>T. VCF-style: chr20-64239879-C-T. GRCh37 (hg19) VCF-style: chr20-62871232-C-T.
Identifiers: ClinVar variation 3055989 (VCV003055989.2), dbSNP rs3003149, ClinGen allele CA9975463.